The following is an entry in ClinVar:

NM_000463.3(UGT1A1):c.923G>A (p.Gly308Glu)

Genes: UGT1A (UDP glucuronosyltransferase family 1 member A complex locus; plus strand), UGT1A1 (UDP glucuronosyltransferase family 1 member A1; plus strand), UGT1A10 (UDP glucuronosyltransferase family 1 member A10; plus strand), UGT1A3 (UDP glucuronosyltransferase family 1 member A3; plus strand), UGT1A4 (UDP glucuronosyltransferase family 1 member A4; plus strand) and 5 more. Cytogenetic location: 2q37.1.
Variant type: single nucleotide variant.
Coding change: c.923G>A on transcript NM_000463.3 (MANE Select); coding-DNA position 923, G replaced by A.
Protein change: p.Gly308Glu; replaces glycine 308 with glutamic acid.
Molecular consequence: missense variant.
Genome position (GRCh38, 1-based): chr2:233,767,092, G>A. VCF-style: chr2-233767092-G-A. GRCh37 (hg19) VCF-style: chr2-234675738-G-A.
Other names: UGT1A1*11; 923(G>A); c.914G>A, p.Gly305Glu (NM_019075.4, NM_019076.5, NM_019077.3 and 1 more transcripts); c.920G>A, p.Gly307Glu (NM_001072.4); c.119G>A, p.Gly40Glu (NM_205862.3); c.926G>A, p.Gly309Glu (NM_019078.2, NM_007120.3, NM_019093.4); short protein forms G309E, G305E, G307E, G308E, G40E.
Identifiers: ClinVar variation 12272 (VCV000012272.12), dbSNP rs62625011, ClinGen allele CA122054.

ClinVar aggregate classification (germline): Pathogenic/Likely pathogenic. Review status: criteria provided, multiple submitters, no conflicts (2 of 4 stars). 8 submissions from 8 submitters: Pathogenic (3); Likely pathogenic (3). 2 of the submissions do not count toward it. Last evaluated 2026-08-06.

Conditions:
UGT1A1-related disorder. Also called: UGT1A1-related disorders; UGT1A1-related condition.
Gilbert syndrome. Also called: Gilbert Disease; HYPERBILIRUBINEMIA, GILBERT TYPE; Gilbert's syndrome; HYPERBILIRUBINEMIA I; HYPERBILIRUBINEMIA, ARIAS TYPE. Identifiers: MedGen C0017551, MONDO:0007745, OMIM 143500.
Crigler-Najjar syndrome type 1. Also called: HYPERBILIRUBINEMIA, CRIGLER-NAJJAR TYPE I. Identifiers: Orphanet 79234, MedGen C0010324, MONDO:0021020, OMIM 218800.

Allele frequency attached by ClinVar (database versions not stated): gnomAD exomes 0.00001.
gnomAD v4.1: 4 of 1,614,070 alleles (0.00025%); highest among the groups gnomAD compares: Admixed American, 0.005%; no homozygotes.

Submissions (8):

OLLIN Analises Genomicas, OLLIN
Classification: Pathogenic for Gilbert syndrome. Last evaluated: 2026-08-06. Review status: criteria provided, single submitter. Criteria: ACMG Guidelines 2015 PMID 25741868. Collection method: clinical testing. Allele origin: germline.
Comment: This missense variant, located in exon 2 (of 5), has been reported in ClinVar (accession VCV000012272.10) and in gnomAD with an allele frequency of 0.00025%. However, to our knowledge, it has not been reported in the scientific literature. Functional studies suggest that this variant may affect protein function, and in silico analysis predicts a deleterious effect. According to the currently available evidence, this variant has been classified as pathogenic (PS3_P, PM2_P, PM3_S, PP3_S).

Labcorp Genetics (formerly Invitae), Labcorp
Classification: Pathogenic. Last evaluated: 2025-11-28. Review status: criteria provided, single submitter. Criteria: Invitae Variant Classification Sherloc (09022015). Collection method: clinical testing. Allele origin: germline.
Comment: This sequence change replaces glycine, which is neutral and non-polar, with glutamic acid, which is acidic and polar, at codon 308 of the UGT1A1 protein (p.Gly308Glu). This variant is present in population databases (rs62625011, gnomAD 0.009%). This missense change has been observed in individual(s) with hyperbilirubinemia (PMID: 7906695, 16269258, 22325916). In at least one individual the data is consistent with being in trans (on the opposite chromosome) from a pathogenic variant. This variant is also known as Gly309Glu. ClinVar contains an entry for this variant (Variation ID: 12272). Invitae Evidence Modeling of protein sequence and biophysical properties (such as structural, functional, and spatial information, amino acid conservation, physicochemical variation, residue mobility, and thermodynamic stability) indicates that this missense variant is expected to disrupt UGT1A1 protein function with a positive predictive value of 80%. Experimental studies have shown that this missense change affects UGT1A1 function (PMID: 7906695). For these reasons, this variant has been classified as Pathogenic.

Dasa
Classification: Likely pathogenic. Last evaluated: 2024-07-11. Review status: criteria provided, single submitter. Criteria: DASA Assertion Criteria. Collection method: clinical testing. Allele origin: germline.
Comment: NM_000463.3(UGT1A1):c.923G>A (p.Gly308Glu) is a missense variant that results in the substitution of glycine with glutamic acid. This variant has been reported in individuals with UGT1A1-related disorders (PMID: 23403257). This variant has been recurrently observed in individuals with UGT1A1-related disorders (PMID: 7906695; PMID: 23403257). Functional evidence supports an impact on the gene or gene product (PMID: 7906695). Also, this variant is rare in population databases. Based on the currently available evidence, this variant is classified as likely pathogenic.

Mayo Clinic Laboratories, Mayo Clinic
Classification: Pathogenic. Last evaluated: 2023-03-29. Review status: criteria provided, single submitter. Criteria: ACMG Guidelines, 2015. Collection method: clinical testing. Allele origin: germline. Observed: 1 variant allele.
Comment: PP3, PP4, PM2, PM3, PS3, PS4_moderate

ARUP Laboratories, Molecular Genetics and Genomics, ARUP Laboratories
Classification: Likely pathogenic. Last evaluated: 2022-08-18. Review status: criteria provided, single submitter. Criteria: ARUP Molecular Germline Variant Investigation Process 2021. Collection method: clinical testing. Allele origin: germline.
Comment: The UGT1A1 c.923G>A; p.Gly308Glu variant (rs62625011), also known as p.Gly309Glu and UGT1A1*11, is reported in the literature in the homozygous state in two individuals affected with Crigler-Najjar syndrome (Erps 1994, Gaidos 2006), and in the compound heterozygous state in five individuals affected with Gilbert syndrome and one affected with Crigler-Najjar syndrome (Costa 2006, Rodrigues 2012). In vitro functional analysis demonstrates reduced enzyme activity (Erps 1994). This variant is reported in ClinVar (Variation ID: 12272) but is only observed on three alleles in the Genome Aggregation Database, indicating it is not a common polymorphism. The glycine at codon 308 is moderately conserved and computational analyses predict that this variant is deleterious (REVEL: 0.949). Based on available information, this variant is considered to be likely pathogenic. References: Costa E et al. Analysis of the UDP-glucuronosyltransferase gene in Portuguese patients with a clinical diagnosis of Gilbert and Crigler-Najjar syndromes. Blood Cells Mol Dis. 2006 Jan-Feb;36(1):91-7. PMID: 16269258. Erps LT et al. Identification of two single base substitutions in the UGT1 gene locus which abolish bilirubin uridine diphosphate glucuronosyltransferase activity in vitro. J Clin Invest. 1994 Feb;93(2):564-70. PMID: 7906695. Gajdos V et al. Successful pregnancy in a Crigler-Najjar type I patient treated by phototherapy and semimonthly albumin infusions. Gastroenterology. 2006 Sep;131(3):921-4. PMID: 16952560. Rodrigues C et al. Impact of UGT1A1 gene variants on total bilirubin levels in Gilbert syndrome patients and in healthy subjects. Blood Cells Mol Dis. 2012 Mar 15;48(3):166-72. PMID: 22325916.

Mendelics
Classification: Likely pathogenic for Gilbert syndrome. Last evaluated: 2022-05-04. Review status: criteria provided, single submitter. Criteria: Mendelics Assertion Criteria 2019. Collection method: clinical testing. Allele origin: germline.

PreventionGenetics, part of Exact Sciences
Classification: Pathogenic for UGT1A1-related condition. Last evaluated: 2024-04-16. Review status: no assertion criteria provided. Collection method: clinical testing. Allele origin: germline. Not counted in ClinVar's aggregate classification.
Comment: The UGT1A1 c.923G>A variant is predicted to result in the amino acid substitution p.Gly308Glu. This variant has been reported in the homozygous or compound heterozygous state in individuals with Gilbert syndrome, or Crigler-Najjar syndrome I or II (reported as Gly309Glu in Erps et al 1994. PubMed ID: 7906695; Costa et al 2006. PubMed ID: 16269258; Rodrigues et al 2012. PubMed ID: 22325916). This variant is reported in 0.0087% of alleles in individuals of Latino descent in gnomAD. This variant is interpreted as pathogenic.

OMIM
Classification: Pathogenic for CRIGLER-NAJJAR SYNDROME, TYPE I. Last evaluated: 1994-02-01. Review status: no assertion criteria provided. Collection method: literature only. Allele origin: germline. Not counted in ClinVar's aggregate classification.

Literature cited by the submitters: PubMed 7906695 (cited by 4 submitters); PubMed 16269258 (cited by 3 submitters); PubMed 22325916 (cited by Labcorp Genetics (formerly Invitae), Labcorp and Mayo Clinic Laboratories, Mayo Clinic); PubMed 23403257 (cited by Dasa and Mayo Clinic Laboratories, Mayo Clinic); PubMed 23089802 (cited by Dasa and Mayo Clinic Laboratories, Mayo Clinic); PubMed 11013440 (cited by Mayo Clinic Laboratories, Mayo Clinic); PubMed 16952560 (cited by Mayo Clinic Laboratories, Mayo Clinic); PubMed 23875061 (cited by Mayo Clinic Laboratories, Mayo Clinic); PubMed 7989045 (cited by Mayo Clinic Laboratories, Mayo Clinic); PubMed 9435989 (cited by Mayo Clinic Laboratories, Mayo Clinic); PubMed 1692835 (cited by OMIM).